The following is an entry in ClinVar:

ClinVar aggregate classification (germline): Uncertain significance (1 of 4 stars; one submission).

gnomAD v4.1: 5 of 1,613,664 alleles (0.00031%); highest among the groups gnomAD compares: Admixed American, 0.0017%; no homozygotes.

Submission:

Labcorp Genetics (formerly Invitae), Labcorp
Classification: Uncertain significance. Last evaluated: 2024-08-20. Review status: criteria provided, single submitter. Criteria: Invitae Variant Classification Sherloc (09022015). Collection method: clinical testing. Allele origin: germline.
Comment: This sequence change falls in intron 12 of the BUB1 gene. It does not directly change the encoded amino acid sequence of the BUB1 protein. This variant is present in population databases (rs771986135, gnomAD 0.003%). This variant has not been reported in the literature in individuals affected with BUB1-related conditions. In summary, the available evidence is currently insufficient to determine the role of this variant in disease. Therefore, it has been classified as a Variant of Uncertain Significance.

NM_004336.5(BUB1):c.1406-4T>C

Gene: BUB1 (BUB1 mitotic checkpoint serine/threonine kinase; minus strand). Cytogenetic location: 2q13.
Variant type: single nucleotide variant.
Coding change: c.1406-4T>C on transcript NM_004336.5 (MANE Select); 4 bases into the intron before coding-DNA position 1406, T replaced by C.
Molecular consequence: intron variant.
Genome position (GRCh38, 1-based): chr2:110,658,524, A>G on the plus strand (T>C on the coding strand, the complement: BUB1 is on the minus strand). VCF-style: chr2-110658524-A-G. GRCh37 (hg19) VCF-style: chr2-111416101-A-G.
Other names: c.1346-4T>C (NM_001278616.2); c.1406-4T>C (NM_001278617.2).
Identifiers: ClinVar variation 3624719 (VCV003624719.2).